The following is an entry in ClinVar:

NM_002474.3(MYH11):c.5577G>C (p.Glu1859Asp)

Genes: NDE1 (nudE neurodevelopment protein 1; plus strand), MYH11 (myosin heavy chain 11; minus strand). Cytogenetic location: 16p13.11.
Variant type: single nucleotide variant.
Coding change: c.5577G>C on transcript NM_002474.3 (MANE Select); coding-DNA position 5577, G replaced by C.
Protein change: p.Glu1859Asp; replaces glutamic acid 1859 with aspartic acid.
Molecular consequence: missense variant. On other transcripts: intron variant (2).
Genome position (GRCh38, 1-based): chr16:15,715,200, C>G on the plus strand (G>C on the coding strand, the complement: MYH11 is on the minus strand). VCF-style: chr16-15715200-C-G. GRCh37 (hg19) VCF-style: chr16-15809057-C-G.
Other names: c.948-8991C>G (NM_001143979.2, NM_017668.3); c.5598G>C, p.Glu1866Asp (NM_001040113.2, NM_001040114.2); c.5577G>C, p.Glu1859Asp (NM_022844.3); short protein forms E1859D, E1866D.
Identifiers: ClinVar variation 3075183 (VCV003075183.1), dbSNP rs1013472767, ClinGen allele CA278593753.
Genomic context (GRCh38, chr16:15,715,200, plus strand): 5'-GGGAGGCTGGGTGGCAGGGGCTACCTGCTCCTTGTACTGCTCGGCCATCTTGCGCTCGTC[C>G]TCCACCTGCAGCAAGATTTCCTTCAGCTTCTTGTCTTTCTGCTTCAGCGACTTGGTGGCC-3'
Protein context (NP_002465.1, residues 1849-1869): KKLKEILLQV[Glu1859Asp]DERKMAEQYK

ClinVar aggregate classification (germline): Uncertain significance (1 of 4 stars; one submission).

Conditions:
Familial thoracic aortic aneurysm and aortic dissection (TAAD). Also called: Thoracic aortic aneurysms and dissections. Identifiers: Orphanet 91387, MedGen C4707243, MONDO:0019625.

Submission:

All of Us Research Program, National Institutes of Health
Classification: Uncertain significance for Familial thoracic aortic aneurysm and aortic dissection. Last evaluated: 2023-12-18. Review status: criteria provided, single submitter. Criteria: ACMG Guidelines, 2015. Collection method: clinical testing. Allele origin: germline. Inheritance: Autosomal dominant inheritance. Observed: 1 variant allele, 1 heterozygote.
Comment: This missense variant replaces glutamic acid with aspartic acid at codon 1866 of the MYH11 protein. Computational prediction suggests that this variant may not impact protein structure and function (internally defined REVEL score threshold <= 0.5, PMID: 27666373). To our knowledge, functional studies have not been reported for this variant. This variant has not been reported in individuals affected with MYH11-related disorders in the literature. This variant has not been identified in the general population by the Genome Aggregation Database (gnomAD). The available evidence is insufficient to determine the role of this variant in disease conclusively. Therefore, this variant is classified as a Variant of Uncertain Significance.

This study involves interpretation of variants in research participants for the purpose of population health screening. Participant phenotype was not available at the time of variant classification. Additional details can be found in publication PMID: 35346344, PMCID: PMC8962531